The following is an entry in ClinVar:

ClinVar aggregate classification (germline): Conflicting classifications of pathogenicity. Review status: criteria provided, conflicting classifications (1 of 4 stars). 11 submissions from 8 submitters: Uncertain significance (2); Benign (2); Likely benign (6). 1 of the submissions does not count toward it. Last evaluated 2026-01-17.

Conditions:
Diabetes mellitus, transient neonatal, 2 (TNDM2). Identifiers: Orphanet 99886, MedGen C1835887, MONDO:0012480, OMIM 610374. Disease mechanism: loss of function.
ABCC8-related disorder.
Maturity-onset diabetes of the young (MODY). Also called: Maturity onset diabetes mellitus in young. Identifiers: Orphanet 552, MedGen C0342276, MONDO:0018911, HP:0004904.
Hyperinsulinemic hypoglycemia, familial, 1 (HHF1). Also called: HYPERINSULINISM, FAMILIAL, WITH PANCREATIC NESIDIOBLASTOSIS; HYPOGLYCEMIA, HYPERINSULINEMIC, OF INFANCY; Persistent hyperinsulinemic hypoglycemia of infancy; NESIDIOBLASTOSIS OF PANCREAS; Persistent Hyperinsulinemia Hypoglycemia of Infancy. Identifiers: Orphanet 276575, Orphanet 276598, MedGen C2931832, MONDO:0009734, OMIM 256450.
Permanent neonatal diabetes mellitus (PNDM). Identifiers: Orphanet 99885, MedGen C1833104, MONDO:0100164, MONDO:0011643. Disease mechanism: gain of function.
Inborn genetic diseases. Identifiers: MedGen C0950123, MeSH D030342.
Transitory neonatal diabetes mellitus. Also called: Transient neonatal diabetes mellitus. Identifiers: MedGen C0342273, MONDO:0020525, HP:0008255.

Allele frequency attached by ClinVar (database versions not stated): gnomAD exomes 0.00046 and 0.00077; ExAC 0.00103; 1000 Genomes Project 0.00160; 1000 Genomes Project 30x 0.00172; gnomAD below 0.00001 and 0.00022; TOPMed 0.00005.
gnomAD v4.1: 709 of 1,613,116 alleles (0.044%); highest among the groups gnomAD compares: South Asian, 0.73%; 6 homozygotes.

Submissions (11):

Labcorp Genetics (formerly Invitae), Labcorp
Classification: Benign. Last evaluated: 2026-01-17. Review status: criteria provided, single submitter. Criteria: Invitae Variant Classification Sherloc (09022015). Collection method: clinical testing. Allele origin: germline.

Women's Health and Genetics/Laboratory Corporation of America, LabCorp
Classification: Benign. Last evaluated: 2024-12-06. Review status: criteria provided, single submitter. Criteria: LabCorp Variant Classification Summary - May 2015. Collection method: clinical testing. Allele origin: germline.

Blueprint Genetics
Classification: Likely benign. Last evaluated: 2024-10-22. Review status: criteria provided, single submitter. Criteria: ACMG Guidelines, 2015. Collection method: clinical testing. Allele origin: germline.

Ambry Genetics
Classification: Likely benign for Inborn genetic diseases. Last evaluated: 2022-03-03. Review status: criteria provided, single submitter. Criteria: Ambry Variant Classification Scheme 2023. Collection method: clinical testing. Allele origin: germline.

Athena Diagnostics
Classification: Likely benign. Last evaluated: 2018-09-30. Review status: criteria provided, single submitter. Criteria: Athena Diagnostics Criteria. Collection method: clinical testing. Allele origin: germline.

Illumina Laboratory Services, Illumina
Classification: Likely benign for Diabetes mellitus, transient neonatal, 2. Last evaluated: 2017-04-27. Review status: criteria provided, single submitter. Criteria: ICSL Variant Classification Criteria 13 December 2019. Collection method: clinical testing. Allele origin: germline.
Comment: This variant was observed as part of a predisposition screen in an ostensibly healthy population. A literature search was performed for the gene, cDNA change, and amino acid change (where applicable). No publications were found based on this search. Allele frequency data from public databases allowed determination this variant is unlikely to cause disease. Therefore, this variant is classified as likely benign.

Illumina Laboratory Services, Illumina
Classification: Likely benign for Hyperinsulinemic hypoglycemia, familial, 1. Last evaluated: 2017-04-27. Review status: criteria provided, single submitter. Criteria: ICSL Variant Classification Criteria 13 December 2019. Collection method: clinical testing. Allele origin: germline.
Comment: the same text as in the submission from Illumina Laboratory Services, Illumina above.

Illumina Laboratory Services, Illumina
Classification: Likely benign for Permanent neonatal diabetes mellitus 1. Last evaluated: 2017-04-27. Review status: criteria provided, single submitter. Criteria: ICSL Variant Classification Criteria 13 December 2019. Collection method: clinical testing. Allele origin: germline.
Comment: the same text as in the submission from Illumina Laboratory Services, Illumina above.

Clinical Genomics, Uppaluri K&H Personalized Medicine Clinic
Classification: Uncertain significance for Transitory neonatal diabetes mellitus. Review status: criteria provided, single submitter. Criteria: K & H Uppaluri Personalized Medicine Clinic Variant Classification & Assertion Criteria_Updated V.1. Collection method: research. Allele origin: somatic. Inheritance: Somatic mutation.
Comment: Mutations in ABCC8 gene are associated with both neonatal diabetes mellitus as well as MODY. Patients with this mutation may have a better response to sulfonylureas. However, no sufficient evidence is found to ascertain the role of this particular variant ( rs371089976) in neonatal diabetes yet.

Clinical Genomics, Uppaluri K&H Personalized Medicine Clinic
Classification: Uncertain significance for Maturity-onset diabetes of the young. Review status: criteria provided, single submitter. Criteria: K & H Uppaluri Personalized Medicine Clinic Variant Classification & Assertion Criteria_Updated V.1. Collection method: research. Allele origin: somatic. Inheritance: Somatic mutation.
Comment: Mutations in ABCC8 gene are associated with both neonatal diabetes mellitus as well as MODY. Patients with this mutation may have a better response to sulfonylureas. However, no sufficient evidence is found to ascertain the role of this particular variant ( rs371089976) in MODY yet.

PreventionGenetics, part of Exact Sciences
Classification: Likely benign for ABCC8-related condition. Last evaluated: 2019-05-31. Review status: no assertion criteria provided. Collection method: clinical testing. Allele origin: germline. Not counted in ClinVar's aggregate classification.
Comment: This variant is classified as likely benign based on ACMG/AMP sequence variant interpretation guidelines (Richards et al. 2015 PMID: 25741868, with internal and published modifications).

Literature cited by the submitters: PubMed 16885549 (cited by Clinical Genomics, Uppaluri K&H Personalized Medicine Clinic); PubMed 21989597 (cited by Clinical Genomics, Uppaluri K&H Personalized Medicine Clinic); PubMed 27538677 (cited by Clinical Genomics, Uppaluri K&H Personalized Medicine Clinic); PubMed 18981553 (cited by Clinical Genomics, Uppaluri K&H Personalized Medicine Clinic); PubMed 32027066 (cited by Clinical Genomics, Uppaluri K&H Personalized Medicine Clinic); PubMed 16613899 (cited by Clinical Genomics, Uppaluri K&H Personalized Medicine Clinic); PubMed 18025408 (cited by Clinical Genomics, Uppaluri K&H Personalized Medicine Clinic); PubMed 32792356 (cited by Clinical Genomics, Uppaluri K&H Personalized Medicine Clinic).

NM_000352.6(ABCC8):c.3435C>T (p.Ser1145=)

Gene: ABCC8 (ATP binding cassette subfamily C member 8; minus strand). Cytogenetic location: 11p15.1.
Variant type: single nucleotide variant.
Coding change: c.3435C>T on transcript NM_000352.6 (MANE Select); coding-DNA position 3435, C replaced by T.
Protein change: p.Ser1145=; no amino-acid change (serine 1145 retained).
Molecular consequence: synonymous variant. On other transcripts: non-coding transcript variant (1).
Genome position (GRCh38, 1-based): chr11:17,404,634, G>A on the plus strand (C>T on the coding strand, the complement: ABCC8 is on the minus strand). VCF-style: chr11-17404634-G-A. GRCh37 (hg19) VCF-style: chr11-17426181-G-A.
Other names: c.3438C>T, p.Ser1146= (NM_001287174.3); c.3501C>T, p.Ser1167= (NM_001351295.2); c.3435C>T, p.Ser1145= (NM_001351296.2); c.3432C>T, p.Ser1144= (NM_001351297.2).
Identifiers: ClinVar variation 303763 (VCV000303763.23), dbSNP rs371089976, ClinGen allele CA5902807.
Genomic context (GRCh38, chr11:17,404,634, plus strand): 5'-CACGAGGAACACAGGTGTGACATAGGAGATGACGGCCAGGGCTGAGACACAGAGCAGGGT[G>A]GAGCGGCTCAGGCACTCCAGCGTGGATGGGATGTGCTGAGGGAGACGAGGGGGAGAGAGT-3'
Protein context (NP_000343.2, residues 1135-1155): IPSTLECLSR[Ser1145=]TLLCVSALAV